The following is an entry in ClinVar:

ClinVar aggregate classification (germline): Uncertain significance (1 of 4 stars; one submission).

Allele frequency attached by ClinVar (database versions not stated): TOPMed below 0.00001; gnomAD exomes 0.00001.
gnomAD v4.1: 7 of 1,613,974 alleles (0.00043%); highest among the groups gnomAD compares: Non-Finnish European, 0.00059%; no homozygotes.

Submission:

Labcorp Genetics (formerly Invitae), Labcorp
Classification: Uncertain significance. Last evaluated: 2023-06-09. Review status: criteria provided, single submitter. Criteria: Invitae Variant Classification Sherloc (09022015). Collection method: clinical testing. Allele origin: germline.
Comment: In summary, the available evidence is currently insufficient to determine the role of this variant in disease. Therefore, it has been classified as a Variant of Uncertain Significance. An algorithm developed to predict the effect of missense changes on protein structure and function (PolyPhen-2) suggests that this variant is likely to be tolerated. This variant has not been reported in the literature in individuals affected with RELA-related conditions. This variant is not present in population databases (gnomAD no frequency). This sequence change replaces threonine, which is neutral and polar, with isoleucine, which is neutral and non-polar, at codon 164 of the RELA protein (p.Thr164Ile).

NM_021975.4(RELA):c.491C>T (p.Thr164Ile)

Gene: RELA (RELA proto-oncogene, NF-kB subunit; minus strand). Cytogenetic location: 11q13.1.
Variant type: single nucleotide variant.
Coding change: c.491C>T on transcript NM_021975.4 (MANE Select); coding-DNA position 491, C replaced by T.
Protein change: p.Thr164Ile; replaces threonine 164 with isoleucine.
Molecular consequence: missense variant.
Genome position (GRCh38, 1-based): chr11:65,659,734, G>A on the plus strand (C>T on the coding strand, the complement: RELA is on the minus strand). VCF-style: chr11-65659734-G-A. GRCh37 (hg19) VCF-style: chr11-65427205-G-A.
Other names: c.482C>T, p.Thr161Ile (NM_001145138.2); c.491C>T, p.Thr164Ile (NM_001243984.2, NM_001243985.2, NM_001404659.1 and 1 more transcripts); c.524C>T, p.Thr175Ile (NM_001404657.1); c.464C>T, p.Thr155Ile (NM_001404658.1); c.110C>T, p.Thr37Ile (NM_001404661.1); c.398C>T, p.Thr133Ile (NM_001404662.1, NM_001404663.1); short protein forms T133I, T37I, T155I, T161I, T175I, T164I.
Identifiers: ClinVar variation 3002628 (VCV003002628.3), dbSNP rs1856517107, ClinGen allele CA381393005.